The following is an entry in ClinVar:

NM_006767.4(LZTR1):c.2243_2244dup (p.Tyr749fs)

Gene: LZTR1 (leucine zipper like post translational regulator 1; plus strand). Cytogenetic location: 22q11.21.
Variant type: Duplication.
Coding change: c.2243_2244dup on transcript NM_006767.4 (MANE Select); coding-DNA positions 2243 to 2244, 2 bases duplicated (AC; older notation c.2243_2244dupAC).
Protein change: p.Tyr749fs; shifts the reading frame from tyrosine 749.
Molecular consequence: frameshift variant.
Genome position (GRCh38, 1-based): chr22:20,996,719-20,996,720, AC duplicated. VCF-style (leftmost placement, unchanged base first): chr22-20996718-T-TAC. GRCh37 (hg19) VCF-style: chr22-21351007-T-TAC.
Other names: short protein forms Y749fs.
Identifiers: ClinVar variation 5023733 (VCV005023733.1).

ClinVar aggregate classification (germline): Pathogenic (1 of 4 stars; one submission).

Conditions:
Cardiovascular phenotype. Identifiers: MedGen CN230736.
Hereditary cancer-predisposing syndrome. Also called: Neoplastic Syndromes, Hereditary; Tumor predisposition; Hereditary neoplastic syndrome; Hereditary Cancer Syndrome. Identifiers: Orphanet 140162, MedGen C0027672, MeSH D009386, MONDO:0015356.

Submission:

Ambry Genetics
Classification: Pathogenic for Cardiovascular phenotype; Hereditary cancer-predisposing syndrome. Last evaluated: 2026-09-09. Review status: criteria provided, single submitter. Criteria: Ambry Variant Classification Scheme 2023. Collection method: clinical testing. Allele origin: germline.
Comment: The c.2243_2244dupAC pathogenic mutation, located in coding exon 19 of the LZTR1 gene, results from a duplication of AC at nucleotide position 2243, causing a translational frameshift with a predicted alternate stop codon (p.Y749Tfs*19). This variant is considered to be rare based on population cohorts in the Genome Aggregation Database (gnomAD). This alteration is expected to result in loss of function by premature protein truncation or nonsense-mediated mRNA decay. Loss-of-function variants in LZTR1 are related to an increased risk for schwannomas and autosomal recessive Noonan syndrome; however, such associations with autosomal dominant Noonan syndrome have not been observed (Piotrowski A et al. Nat Genet. 2014 Feb;46:182-7; Yamamoto GL et al. J Med Genet. 2015 Jun;52:413-21; Johnston JJ et al. Genet Med. 2018 10;20:1175-1185). Based on the supporting evidence, this variant is pathogenic for an increased risk of LZTR1-related schwannomatosis (SWN) and would be expected to cause autosomal recessive Noonan syndrome when present along with a second pathogenic or likely pathogenic variant on the other allele; however, the association of this variant with autosomal dominant Noonan syndrome is unlikely.